The following is an entry in ClinVar:

NM_004153.4(ORC1):c.2013+4G>C

Gene: ORC1 (origin recognition complex subunit 1; minus strand). Cytogenetic location: 1p32.3.
Variant type: single nucleotide variant.
Coding change: c.2013+4G>C on transcript NM_004153.4 (MANE Select); 4 bases into the intron after coding-DNA position 2013, G replaced by C.
Molecular consequence: intron variant.
Genome position (GRCh38, 1-based): chr1:52,383,416, C>G on the plus strand (G>C on the coding strand, the complement: ORC1 is on the minus strand). VCF-style: chr1-52383416-C-G. GRCh37 (hg19) VCF-style: chr1-52849088-C-G.
Other names: c.2013+4G>C (NM_001190818.2); c.1998+4G>C (NM_001190819.2).
Identifiers: ClinVar variation 1373414 (VCV001373414.6), dbSNP rs756984756, ClinGen allele CA853153.
Genomic context (GRCh38, chr1:52,383,416, plus strand): 5'-GCAGAACTTCTTGGCCAAGCTTACAGATCTGCAAGAACAGCATGGGAACTGCCCTAGAAC[C>G]TACCAGTCGGCTGGACACCCGGTTCATCATGATTCGCTCTGGCAGGTCCATTGTGTTGGC-3'

ClinVar aggregate classification (germline): Uncertain significance (1 of 4 stars; one submission).

Allele frequency attached by ClinVar (database versions not stated): ExAC 0.00001; gnomAD 0.00001; gnomAD exomes 0.00001; TOPMed 0.00001.
gnomAD v4.1: 30 of 1,612,252 alleles (0.0019%); highest among the groups gnomAD compares: Admixed American, 0.0067%; no homozygotes.

Submission:

Labcorp Genetics (formerly Invitae), Labcorp
Classification: Uncertain significance. Last evaluated: 2022-03-08. Review status: criteria provided, single submitter. Criteria: Invitae Variant Classification Sherloc (09022015). Collection method: clinical testing. Allele origin: germline.
Comment: In summary, the available evidence is currently insufficient to determine the role of this variant in disease. Therefore, it has been classified as a Variant of Uncertain Significance. Variants that disrupt the consensus splice site are a relatively common cause of aberrant splicing (PMID: 17576681, 9536098). Algorithms developed to predict the effect of sequence changes on RNA splicing suggest that this variant is not likely to affect RNA splicing. This variant has not been reported in the literature in individuals affected with ORC1-related conditions. The frequency data for this variant in the population databases is considered unreliable, as metrics indicate poor data quality at this position in the gnomAD database. This sequence change falls in intron 13 of the ORC1 gene. It does not directly change the encoded amino acid sequence of the ORC1 protein. It affects a nucleotide within the consensus splice site.

Literature cited by the submitters: PubMed 17576681; PubMed 9536098.